The following is an entry in ClinVar:

ClinVar aggregate classification (germline): Uncertain significance (1 of 4 stars; one submission).

Conditions:
Marfan syndrome (MFS). Also called: MARFAN SYNDROME, TYPE I; Marfan syndrome type 1; Marfan's syndrome; Marfan syndrome, classic; FBN1-Related Marfan Syndrome. Identifiers: Orphanet 284963, Orphanet 558, MedGen C0024796, MONDO:0007947, OMIM 154700.
Familial thoracic aortic aneurysm and aortic dissection (TAAD). Also called: Thoracic aortic aneurysms and dissections. Identifiers: Orphanet 91387, MedGen C4707243, MONDO:0019625.

Submission:

Labcorp Genetics (formerly Invitae), Labcorp
Classification: Uncertain significance for Marfan syndrome; Familial thoracic aortic aneurysm and aortic dissection. Last evaluated: 2023-02-09. Review status: criteria provided, single submitter. Criteria: Invitae Variant Classification Sherloc (09022015). Collection method: clinical testing. Allele origin: germline.
Comment: In summary, the available evidence is currently insufficient to determine the role of this variant in disease. Therefore, it has been classified as a Variant of Uncertain Significance. Experimental studies and prediction algorithms are not available or were not evaluated, and the functional significance of this variant is currently unknown. This variant has not been reported in the literature in individuals affected with FBN1-related conditions. This variant is not present in population databases (gnomAD no frequency). This variant, c.3625_3627dup, results in the insertion of 1 amino acid(s) of the FBN1 protein (p.Glu1209dup), but otherwise preserves the integrity of the reading frame.

NM_000138.5(FBN1):c.3625_3627dup (p.Glu1209_Thr1210insGlu)

Gene: FBN1 (fibrillin 1; minus strand). Cytogenetic location: 15q21.1.
Variant type: Duplication.
Coding change: c.3625_3627dup on transcript NM_000138.5 (MANE Select); coding-DNA positions 3625 to 3627, 3 bases duplicated (GAA; older notation c.3625_3627dupGAA).
Protein change: p.Glu1209_Thr1210insGlu.
Molecular consequence: inframe insertion.
Genome position (GRCh38, 1-based): chr15:48,485,459-48,485,461, TTC duplicated on the plus strand (GAA on the coding strand, the reverse complement: FBN1 is on the minus strand). VCF-style (leftmost placement, unchanged base first): chr15-48485458-T-TTTC. GRCh37 (hg19) VCF-style: chr15-48777655-T-TTTC.
Other names: c.3625_3627dup, p.Glu1209_Thr1210insGlu (NM_001406716.1).
Identifiers: ClinVar variation 2944079 (VCV002944079.3), dbSNP rs2505545066, ClinGen allele CA2740096709.
Genomic context (GRCh38, chr15:48,485,458, plus strand): 5'-TTAGTGCAAATCCCGGCTGACAGCTACATTCATAGCTGCCTTCAGAGTTTGTGCAGAAGG[T>TTTC]TTCACAACCACCATTCATTATGCTGCATTCATCAATGTCTAAAAGAAATGAAAATAATAT-3'